The following is an entry in ClinVar:

NM_000179.3(MSH6):c.3668_3670dup (p.Asp1223_Gly1224insAsp)

Gene: MSH6 (mutS homolog 6; plus strand). Cytogenetic location: 2p16.3.
Variant type: Duplication.
Coding change: c.3668_3670dup on transcript NM_000179.3 (MANE Select); coding-DNA positions 3668 to 3670, 3 bases duplicated (ATG; older notation c.3668_3670dupATG).
Protein change: p.Asp1223_Gly1224insAsp.
Molecular consequence: inframe insertion. On other transcripts: non-coding transcript variant (5), inframe indel (1).
Genome position (GRCh38, 1-based): chr2:47,806,225-47,806,227, ATG duplicated; duplicating any 3 consecutive bases within chr2:47,806,223-47,806,227 gives the same sequence; the c. name uses the placement nearest the transcript's 3' end. VCF-style (leftmost placement, unchanged base first): chr2-47806222-T-TTGA. GRCh37 (hg19) VCF-style: chr2-48033361-T-TTGA.
Other names: c.3668_3670dup, p.Asp1223_Gly1224insAsp (NM_001406800.1, NM_001406808.1, NM_001406809.1 and 1 more transcripts); c.3371_3373dup, p.Asp1124_Gly1125insAsp (NM_001406801.1, NM_001406805.1, NM_001406818.1 and 10 more transcripts); c.3764_3766dup, p.Asp1255_Gly1256insAsp (NM_001406802.1, NM_001406795.1); c.2804_2806dup, p.Asp935_Gly936insAsp (NM_001406803.1); c.3590_3592dup, p.Asp1197_Gly1198insAsp (NM_001406804.1); c.3143_3145dup, p.Asp1048_Gly1049insAsp (NM_001406806.1, NM_001406807.1, NM_001406799.1); c.2762_2764dup, p.Asp921_Gly922insAsp (NM_001406811.1, NM_001406812.1, NM_001406814.1 and 6 more transcripts); c.3674_3676dup, p.Asp1225_Gly1226insAsp (NM_001406813.1); and 8 more.
Identifiers: ClinVar variation 4860392 (VCV004860392.1).

ClinVar aggregate classification (germline): Uncertain significance (1 of 4 stars; one submission).

Conditions:
Hereditary cancer-predisposing syndrome. Also called: Neoplastic Syndromes, Hereditary; Tumor predisposition; Hereditary Cancer Syndrome; Hereditary neoplastic syndrome. Identifiers: Orphanet 140162, MedGen C0027672, MeSH D009386, MONDO:0015356.

Submission:

Ambry Genetics
Classification: Uncertain significance for Hereditary cancer-predisposing syndrome. Last evaluated: 2026-04-21. Review status: criteria provided, single submitter. Criteria: Ambry Variant Classification Scheme 2023. Collection method: clinical testing. Allele origin: germline.
Comment: The c.3668_3670dupATG variant (also known as p.D1223dup), located in coding exon 8 of the MSH6 gene, results from an in-frame duplication of ATG at nucleotide positions 3668 to 3670. This results in the duplication of an extra residue between codons 1223 and 1224. This amino acid position is highly conserved in available vertebrate species. In addition, this variant is predicted to be deleterious by in silico analysis (Choi Y et al. PLoS ONE. 2012; 7(10):e46688). Based on the available evidence, the clinical significance of this variant remains unclear.